The following is an entry in ClinVar:

ClinVar aggregate classification (germline): Benign/Likely benign. Review status: criteria provided, multiple submitters, no conflicts (2 of 4 stars). 3 submissions from 3 submitters: Benign (1); Likely benign (1). 1 of the submissions does not count toward it. Last evaluated 2026-01-26.

Conditions:
CNTN2-related disorder. Also called: CNTN2-related condition.
Epilepsy, familial adult myoclonic, 5 (EPEO5). Also called: CORTICAL MYOCLONIC TREMOR WITH EPILEPSY, FAMILIAL, 5. Identifiers: Orphanet 86814, MedGen C3809374, MONDO:0014167, OMIM 615400.

Allele frequency attached by ClinVar (database versions not stated): 1000 Genomes Project 30x 0.00109; 1000 Genomes Project 0.00140; TOPMed 0.00154; gnomAD 0.00175 and 0.00182; gnomAD exomes 0.00185; ExAC 0.00188; ESP Exome Variant Server 0.00231.
gnomAD v4.1: 3,429 of 1,614,148 alleles (0.21%); highest among the groups gnomAD compares: Non-Finnish European, 0.25%; 3 homozygotes.

Submissions (3):

Labcorp Genetics (formerly Invitae), Labcorp
Classification: Benign for Epilepsy, familial adult myoclonic, 5. Last evaluated: 2026-01-26. Review status: criteria provided, single submitter. Criteria: Invitae Variant Classification Sherloc (09022015). Collection method: clinical testing. Allele origin: germline.

Blueprint Genetics
Classification: Likely benign. Last evaluated: 2024-11-20. Review status: criteria provided, single submitter. Criteria: ACMG Guidelines, 2015. Collection method: clinical testing. Allele origin: germline.

PreventionGenetics, part of Exact Sciences
Classification: Likely benign for CNTN2-related condition. Last evaluated: 2019-04-22. Review status: no assertion criteria provided. Collection method: clinical testing. Allele origin: germline. Not counted in ClinVar's aggregate classification.
Comment: This variant is classified as likely benign based on ACMG/AMP sequence variant interpretation guidelines (Richards et al. 2015 PMID: 25741868, with internal and published modifications).

NM_005076.5(CNTN2):c.105C>T (p.Phe35=)

Gene: CNTN2 (contactin 2; plus strand). Cytogenetic location: 1q32.1.
Variant type: single nucleotide variant.
Coding change: c.105C>T on transcript NM_005076.5 (MANE Select); coding-DNA position 105, C replaced by T.
Protein change: p.Phe35=; no amino-acid change (phenylalanine 35 retained).
Molecular consequence: synonymous variant. On other transcripts: non-coding transcript variant (1).
Genome position (GRCh38, 1-based): chr1:205,057,955, C>T. VCF-style: chr1-205057955-C-T. GRCh37 (hg19) VCF-style: chr1-205027083-C-T.
Other names: c.105C>T (NM_005076.4); c.105C>T, p.Phe35= (NM_001346083.2).
Identifiers: ClinVar variation 474457 (VCV000474457.15), dbSNP rs147074435, ClinGen allele CA1350928.